The following is an entry in ClinVar:

NM_000384.3(APOB):c.5372A>G (p.Tyr1791Cys)

Gene: APOB (apolipoprotein B; minus strand). Cytogenetic location: 2p24.1.
Variant type: single nucleotide variant.
Coding change: c.5372A>G on transcript NM_000384.3 (MANE Select); coding-DNA position 5372, A replaced by G.
Protein change: p.Tyr1791Cys; replaces tyrosine 1791 with cysteine.
Molecular consequence: missense variant.
Genome position (GRCh38, 1-based): chr2:21,011,496, T>C on the plus strand (A>G on the coding strand, the complement: APOB is on the minus strand). VCF-style: chr2-21011496-T-C. GRCh37 (hg19) VCF-style: chr2-21234368-T-C.
Other names: short protein forms Y1791C.
Identifiers: ClinVar variation 3389560 (VCV003389560.14).

ClinVar aggregate classification (germline): Uncertain significance (1 of 4 stars; one submission).

Submission:

CeGaT Center for Human Genetics Tuebingen
Classification: Uncertain significance. Last evaluated: 2024-09-01. Review status: criteria provided, single submitter. Criteria: CeGaT Center For Human Genetics Tuebingen Variant Classification Criteria Version 2. Collection method: clinical testing. Allele origin: germline. Affected: yes. Observed: 1 variant allele.
Comment: APOB: PM2, BP4